The following is an entry in ClinVar:

NM_033448.3(KRT71):c.1145G>A (p.Arg382Gln)

Gene: KRT71 (keratin 71; minus strand). Cytogenetic location: 12q13.13.
Variant type: single nucleotide variant.
Coding change: c.1145G>A on transcript NM_033448.3 (MANE Select); coding-DNA position 1145, G replaced by A.
Protein change: p.Arg382Gln; replaces arginine 382 with glutamine.
Molecular consequence: missense variant.
Genome position (GRCh38, 1-based): chr12:52,546,466, C>T on the plus strand (G>A on the coding strand, the complement: KRT71 is on the minus strand). VCF-style: chr12-52546466-C-T. GRCh37 (hg19) VCF-style: chr12-52940250-C-T.
Other names: short protein forms R382Q.
Identifiers: ClinVar variation 2349426 (VCV002349426.12), dbSNP rs202033640, ClinGen allele CA6583159.
Genomic context (GRCh38, chr12:52,546,466, plus strand): 5'-TGCAGGGCGCCCTCCAGCTCGTCCAGCTTGGCCCGGGCATCCTTCAGGGCGTTGTCTCCC[C>T]GCTGCTCAGCATCAGCGATGGCTGTCTCCAGGTTGGAAGCCTAAGGAAGGAATTGGTGAA-3'
Protein context (NP_258259.1, residues 372-392): LETAIADAEQ[Arg382Gln]GDNALKDARA

ClinVar aggregate classification (germline): Uncertain significance. Review status: criteria provided, multiple submitters, no conflicts (2 of 4 stars). 3 submissions from 3 submitters: Uncertain significance (3). Last evaluated 2025-04-01.

Allele frequency attached by ClinVar (database versions not stated): gnomAD exomes 0.00005; ExAC 0.00007; ESP Exome Variant Server 0.00015; 1000 Genomes Project 30x 0.00016; 1000 Genomes Project 0.00020.
gnomAD v4.1: 121 of 1,614,180 alleles (0.0075%); highest among the groups gnomAD compares: African/African-American, 0.084%; no homozygotes.

Submissions (3):

CeGaT Center for Human Genetics Tuebingen
Classification: Uncertain significance. Last evaluated: 2025-04-01. Review status: criteria provided, single submitter. Criteria: CeGaT Center For Human Genetics Tuebingen Variant Classification Criteria Version 2. Collection method: clinical testing. Allele origin: germline. Affected: yes. Observed: 1 variant allele.

Labcorp Genetics (formerly Invitae), Labcorp
Classification: Uncertain significance. Last evaluated: 2025-02-16. Review status: criteria provided, single submitter. Criteria: Invitae Variant Classification Sherloc (09022015). Collection method: clinical testing. Allele origin: germline.
Comment: This sequence change replaces arginine, which is basic and polar, with glutamine, which is neutral and polar, at codon 382 of the KRT71 protein (p.Arg382Gln). This variant is present in population databases (rs202033640, gnomAD 0.07%), and has an allele count higher than expected for a pathogenic variant. This variant has not been reported in the literature in individuals affected with KRT71-related conditions. ClinVar contains an entry for this variant (Variation ID: 2349426). Invitae Evidence Modeling of protein sequence and biophysical properties (such as structural, functional, and spatial information, amino acid conservation, physicochemical variation, residue mobility, and thermodynamic stability) indicates that this missense variant is not expected to disrupt KRT71 protein function with a negative predictive value of 80%. In summary, the available evidence is currently insufficient to determine the role of this variant in disease. Therefore, it has been classified as a Variant of Uncertain Significance.

Ambry Genetics
Classification: Uncertain significance. Last evaluated: 2021-07-13. Review status: criteria provided, single submitter. Criteria: Ambry Variant Classification Scheme 2023. Collection method: clinical testing. Allele origin: germline.